The following is an entry in ClinVar:

ClinVar aggregate classification (germline): Uncertain significance. Review status: criteria provided, multiple submitters, no conflicts (2 of 4 stars). 2 submissions from 2 submitters: Uncertain significance (2). Last evaluated 2024-10-05.

Allele frequency attached by ClinVar (database versions not stated): gnomAD exomes below 0.00001; TOPMed below 0.00001; ExAC 0.00001; gnomAD 0.00001.
gnomAD v4.1: 2 of 1,613,942 alleles (0.00012%); highest among the groups gnomAD compares: Non-Finnish European, 0.00017%; no homozygotes.

Submissions (2):

GeneDx
Classification: Uncertain significance. Last evaluated: 2024-10-05. Review status: criteria provided, single submitter. Criteria: GeneDx Variant Classification Process June 2021. Collection method: clinical testing. Allele origin: germline. Affected: yes.
Comment: In silico analysis supports that this missense variant has a deleterious effect on protein structure/function; This variant is associated with the following publications: (PMID: 35982159, 35982160)

Eurofins Ntd Llc (ga)
Classification: Uncertain significance. Last evaluated: 2018-03-27. Review status: criteria provided, single submitter. Criteria: EGL ClinVar v180209 classification definitions. Collection method: clinical testing. Allele origin: germline. Observed: 1 variant allele, 1 heterozygote.

NM_152641.4(ARID2):c.5036G>A (p.Arg1679Gln)

Gene: ARID2 (AT-rich interaction domain 2; plus strand). Cytogenetic location: 12q12.
Variant type: single nucleotide variant.
Coding change: c.5036G>A on transcript NM_152641.4 (MANE Select); coding-DNA position 5036, G replaced by A.
Protein change: p.Arg1679Gln; replaces arginine 1679 with glutamine.
Molecular consequence: missense variant.
Genome position (GRCh38, 1-based): chr12:45,891,893, G>A. VCF-style: chr12-45891893-G-A. GRCh37 (hg19) VCF-style: chr12-46285676-G-A.
Other names: c.5036G>A, p.Arg1679Gln (NM_001347839.2); c.5036G>A (NM_152641.2); short protein forms R1679Q.
Identifiers: ClinVar variation 596750 (VCV000596750.6), dbSNP rs780577038, ClinGen allele CA6526784.